The following is an entry in ClinVar:

NM_001377229.1(DISP1):c.4346G>C (p.Ser1449Thr)

Gene: DISP1 (dispatched RND transporter family member 1; plus strand). Cytogenetic location: 1q41.
Variant type: single nucleotide variant.
Coding change: c.4346G>C on transcript NM_001377229.1 (MANE Select); coding-DNA position 4346, G replaced by C.
Protein change: p.Ser1449Thr; replaces serine 1449 with threonine.
Molecular consequence: missense variant.
Genome position (GRCh38, 1-based): chr1:223,005,743, G>C. VCF-style: chr1-223005743-G-C. GRCh37 (hg19) VCF-style: chr1-223179085-G-C.
Other names: c.3617G>C, p.Ser1206Thr (NM_001350630.2); c.4346G>C, p.Ser1449Thr (NM_001369594.1, NM_001377228.1, NM_032890.5); short protein forms S1206T, S1449T.
Identifiers: ClinVar variation 1500137 (VCV001500137.6), dbSNP rs1273219315, ClinGen allele CA344694435.
Genomic context (GRCh38, chr1:223,005,743, plus strand): 5'-GAGGGACTGAAAACAAGGCAGGAGGGAAAGTGGAGCTGAGCTTGTCACAGACGGATGCAA[G>C]TGTGAACTCAGAACATTTCAATCAGAATGAACCAAAAGTCCTATTTAATCATTTAATGGG-3'
Protein context (NP_001364158.1, residues 1439-1459): VELSLSQTDA[Ser1449Thr]VNSEHFNQNE

ClinVar aggregate classification (germline): Uncertain significance (1 of 4 stars; one submission).

Allele frequency attached by ClinVar (database versions not stated): gnomAD exomes below 0.00001.
gnomAD v4.1: 2 of 1,614,172 alleles (0.00012%); highest among the groups gnomAD compares: Non-Finnish European, 0.00017%; no homozygotes.

Submission:

Labcorp Genetics (formerly Invitae), Labcorp
Classification: Uncertain significance. Last evaluated: 2025-10-22. Review status: criteria provided, single submitter. Criteria: Invitae Variant Classification Sherloc (09022015). Collection method: clinical testing. Allele origin: germline.
Comment: This sequence change replaces serine, which is neutral and polar, with threonine, which is neutral and polar, at codon 1449 of the DISP1 protein (p.Ser1449Thr). This variant is present in population databases (no rsID available, gnomAD 0.0009%). This variant has not been reported in the literature in individuals affected with DISP1-related conditions. ClinVar contains an entry for this variant (Variation ID: 1500137). An algorithm developed to predict the effect of missense changes on protein structure and function outputs the following: PolyPhen-2: "Benign". The threonine amino acid residue is found in multiple mammalian species, which suggests that this missense change does not adversely affect protein function. In summary, the available evidence is currently insufficient to determine the role of this variant in disease. Therefore, it has been classified as a Variant of Uncertain Significance.